The following is an entry in ClinVar:

NM_012179.4(FBXO7):c.1546G>C (p.Asp516His)

Gene: FBXO7 (F-box protein 7; plus strand). Cytogenetic location: 22q12.3.
Variant type: single nucleotide variant.
Coding change: c.1546G>C on transcript NM_012179.4 (MANE Select); coding-DNA position 1546, G replaced by C.
Protein change: p.Asp516His; replaces aspartic acid 516 with histidine.
Molecular consequence: missense variant.
Genome position (GRCh38, 1-based): chr22:32,498,507, G>C. VCF-style: chr22-32498507-G-C. GRCh37 (hg19) VCF-style: chr22-32894494-G-C.
Other names: p.Asp516His; c.1309G>C, p.Asp437His (NM_001033024.2); c.1204G>C, p.Asp402His (NM_001257990.2); short protein forms D516H, D437H, D402H.
Identifiers: ClinVar variation 444586 (VCV000444586.63), dbSNP rs34316445, ClinGen allele CA10201774.

ClinVar aggregate classification (germline): Conflicting classifications of pathogenicity. Review status: criteria provided, conflicting classifications (1 of 4 stars). 9 submissions from 9 submitters: Uncertain significance (2); Benign (2); Likely benign (3). 2 of the submissions do not count toward it. Last evaluated 2026-01-26.

Conditions:
FBXO7-related disorder. Also called: FBXO7-related condition.
Parkinsonian-pyramidal syndrome. Also called: PARKINSON DISEASE 15, AUTOSOMAL RECESSIVE; PALLIDOPYRAMIDAL SYNDROME; PARKINSON DISEASE 15, AUTOSOMAL RECESSIVE EARLY-ONSET. Identifiers: Orphanet 171695, MedGen C1850100, MONDO:0009830, OMIM 260300.

Allele frequency attached by ClinVar (database versions not stated): 1000 Genomes Project 30x 0.00031; 1000 Genomes Project 0.00040; TOPMed 0.00139; ESP Exome Variant Server 0.00185.
gnomAD v4.1: 3,025 of 1,613,818 alleles (0.19%); highest among the groups gnomAD compares: Non-Finnish European, 0.2%; 8 homozygotes.

Submissions (9):

Labcorp Genetics (formerly Invitae), Labcorp
Classification: Benign for Parkinsonian-pyramidal syndrome. Last evaluated: 2026-01-26. Review status: criteria provided, single submitter. Criteria: Invitae Variant Classification Sherloc (09022015). Collection method: clinical testing. Allele origin: germline.

CeGaT Center for Human Genetics Tuebingen
Classification: Likely benign. Last evaluated: 2026-01-01. Review status: criteria provided, single submitter. Criteria: CeGaT Center For Human Genetics Tuebingen Variant Classification Criteria Version 2. Collection method: clinical testing. Allele origin: germline. Affected: yes. Observed: 13 variant alleles.
Comment: FBXO7: BS2

Blueprint Genetics
Classification: Likely benign. Last evaluated: 2024-11-28. Review status: criteria provided, single submitter. Criteria: ACMG Guidelines, 2015. Collection method: clinical testing. Allele origin: germline.

Mayo Clinic Laboratories, Mayo Clinic
Classification: Benign. Last evaluated: 2024-09-24. Review status: criteria provided, single submitter. Criteria: ACMG Guidelines, 2015. Collection method: clinical testing. Allele origin: germline. Observed: 3 variant alleles.
Comment: BS1, BS2

GeneDx
Classification: Likely benign. Last evaluated: 2020-09-30. Review status: criteria provided, single submitter. Criteria: GeneDx Variant Classification Process June 2021. Collection method: clinical testing. Allele origin: germline. Affected: yes.
Comment: This variant is associated with the following publications: (PMID: 27294386, 25174650)

Clinical Genetics DNA and cytogenetics Diagnostics Lab, Erasmus MC, Erasmus Medical Center
Classification: Uncertain significance for Parkinsonian-pyramidal syndrome. Last evaluated: 2017-07-07. Review status: criteria provided, single submitter. Criteria: ACGS Guidelines, 2013. Collection method: clinical testing. Allele origin: germline. Affected: yes. Study: VKGL Data-share Consensus.

Illumina Laboratory Services, Illumina
Classification: Uncertain significance for Parkinsonian-pyramidal syndrome. Last evaluated: 2017-04-27. Review status: criteria provided, single submitter. Criteria: ICSL Variant Classification Criteria 13 December 2019. Collection method: clinical testing. Allele origin: germline.
Comment: This variant was observed as part of a predisposition screen in an ostensibly healthy population. A literature search was performed for the gene, cDNA change, and amino acid change (where applicable). Publications were found based on this search. However, the evidence from the literature, in combination with allele frequency data from public databases where available, was not sufficient to rule this variant in or out of causing disease. Therefore, this variant is classified as a variant of unknown significance.

PreventionGenetics, part of Exact Sciences
Classification: Likely benign for FBXO7-related condition. Last evaluated: 2023-03-16. Review status: no assertion criteria provided. Collection method: clinical testing. Allele origin: germline. Not counted in ClinVar's aggregate classification.
Comment: This variant is classified as likely benign based on ACMG/AMP sequence variant interpretation guidelines (Richards et al. 2015 PMID: 25741868, with internal and published modifications).

Diagnostic Laboratory, Department of Genetics, University Medical Center Groningen
Classification: Uncertain significance for Parkinsonian-pyramidal syndrome. Review status: no assertion criteria provided. Collection method: clinical testing. Allele origin: germline. Affected: yes. Study: VKGL Data-share Consensus. Not counted in ClinVar's aggregate classification.

Literature cited by the submitters: PubMed 37139776 (cited by Mayo Clinic Laboratories, Mayo Clinic); PubMed 37750340 (cited by Mayo Clinic Laboratories, Mayo Clinic); PubMed 25174650 (cited by Illumina Laboratory Services, Illumina); PubMed 27294386 (cited by Illumina Laboratory Services, Illumina).